The following is an entry in ClinVar:

NM_001042492.3(NF1):c.929A>T (p.His310Leu)

Gene: NF1 (neurofibromin 1; plus strand). Cytogenetic location: 17q11.2.
Variant type: single nucleotide variant.
Coding change: c.929A>T on transcript NM_001042492.3 (MANE Select); coding-DNA position 929, A replaced by T.
Protein change: p.His310Leu; replaces histidine 310 with leucine.
Molecular consequence: missense variant.
Genome position (GRCh38, 1-based): chr17:31,200,462, A>T. VCF-style: chr17-31200462-A-T. GRCh37 (hg19) VCF-style: chr17-29527480-A-T.
Other names: c.929A>T, p.His310Leu (NM_000267.4, NM_001128147.3); short protein forms H310L.
Identifiers: ClinVar variation 3404636 (VCV003404636.1).

ClinVar aggregate classification (germline): Uncertain significance (1 of 4 stars; one submission).

Conditions:
Hereditary cancer-predisposing syndrome. Also called: Hereditary Cancer Syndrome; Tumor predisposition; Hereditary neoplastic syndrome; Neoplastic Syndromes, Hereditary. Identifiers: Orphanet 140162, MedGen C0027672, MeSH D009386, MONDO:0015356.
Cardiovascular phenotype. Identifiers: MedGen CN230736.

gnomAD v4.1: 2 of 1,614,162 alleles (0.00012%); highest among the groups gnomAD compares: Non-Finnish European, 0.00017%; no homozygotes.

Submission:

Ambry Genetics
Classification: Uncertain significance for Cardiovascular phenotype; Hereditary cancer-predisposing syndrome. Last evaluated: 2024-07-03. Review status: criteria provided, single submitter. Criteria: Ambry Variant Classification Scheme 2023. Collection method: clinical testing. Allele origin: germline.
Comment: The p.H310L variant (also known as c.929A>T), located in coding exon 9 of the NF1 gene, results from an A to T substitution at nucleotide position 929. The histidine at codon 310 is replaced by leucine, an amino acid with similar properties. This amino acid position is well conserved in available vertebrate species. In addition, the in silico prediction for this alteration is inconclusive. Based on the available evidence, the clinical significance of this variant remains unclear.